The following is an entry in ClinVar:

ClinVar aggregate classification (germline): Uncertain significance. Review status: criteria provided, multiple submitters, no conflicts (2 of 4 stars). 2 submissions from 2 submitters: Uncertain significance (2). Last evaluated 2025-08-31.

Conditions:
Inborn genetic diseases. Identifiers: MedGen C0950123, MeSH D030342.

Submissions (2):

Ambry Genetics
Classification: Uncertain significance for Inborn genetic diseases. Last evaluated: 2025-08-31. Review status: criteria provided, single submitter. Criteria: Ambry Variant Classification Scheme 2023. Collection method: clinical testing. Allele origin: germline.

Labcorp Genetics (formerly Invitae), Labcorp
Classification: Uncertain significance. Last evaluated: 2022-08-16. Review status: criteria provided, single submitter. Criteria: Invitae Variant Classification Sherloc (09022015). Collection method: clinical testing. Allele origin: germline.
Comment: In summary, the available evidence is currently insufficient to determine the role of this variant in disease. Therefore, it has been classified as a Variant of Uncertain Significance. Algorithms developed to predict the effect of missense changes on protein structure and function (SIFT, PolyPhen-2, Align-GVGD) all suggest that this variant is likely to be tolerated. This variant has not been reported in the literature in individuals affected with TMTC3-related conditions. This variant is not present in population databases (gnomAD no frequency). This sequence change replaces threonine, which is neutral and polar, with serine, which is neutral and polar, at codon 278 of the TMTC3 protein (p.Thr278Ser).

NM_181783.4(TMTC3):c.832A>T (p.Thr278Ser)

Gene: TMTC3 (transmembrane O-mannosyltransferase targeting cadherins 3; plus strand). Cytogenetic location: 12q21.32.
Variant type: single nucleotide variant.
Coding change: c.832A>T on transcript NM_181783.4 (MANE Select); coding-DNA position 832, A replaced by T.
Protein change: p.Thr278Ser; replaces threonine 278 with serine.
Molecular consequence: missense variant. On other transcripts: non-coding transcript variant (1).
Genome position (GRCh38, 1-based): chr12:88,166,364, A>T. VCF-style: chr12-88166364-A-T. GRCh37 (hg19) VCF-style: chr12-88560141-A-T.
Other names: c.832A>T (NM_181783.3); c.652A>T, p.Thr218Ser (NM_001366574.1); c.613A>T, p.Thr205Ser (NM_001366579.1); c.565A>T, p.Thr189Ser (NM_001366580.1); c.139A>T, p.Thr47Ser (NM_001366583.1); short protein forms T218S, T47S, T278S, T189S, T205S.
Identifiers: ClinVar variation 2068783 (VCV002068783.5), dbSNP rs2501978064, ClinGen allele CA385998394.